The following is an entry in ClinVar:

NM_001148.6(ANK2):c.11531C>A (p.Thr3844Asn)

Gene: ANK2 (ankyrin 2; plus strand). Cytogenetic location: 4q26.
Variant type: single nucleotide variant.
Coding change: c.11531C>A on transcript NM_001148.6 (MANE Select); coding-DNA position 11531, C replaced by A.
Protein change: p.Thr3844Asn; replaces threonine 3844 with asparagine.
Molecular consequence: missense variant.
Genome position (GRCh38, 1-based): chr4:113,369,726, C>A. VCF-style: chr4-113369726-C-A. GRCh37 (hg19) VCF-style: chr4-114290882-C-A.
Other names: c.11531C>A (LRG_327t1); c.5249C>A, p.Thr1750Asn (NM_001127493.3); c.5288C>A, p.Thr1763Asn (NM_001354225.2); c.5177C>A, p.Thr1726Asn (NM_001354228.2, NM_001354258.2); c.5255C>A, p.Thr1752Asn (NM_001354230.2); c.5318C>A, p.Thr1773Asn (NM_001354231.2, NM_001354242.2); c.5312C>A, p.Thr1771Asn (NM_001354232.2); c.5273C>A, p.Thr1758Asn (NM_001354235.2, NM_001354246.2, NM_001354265.2); and 36 more; short protein forms T1750N, T3844N, T1659N, T1672N, T1684N, T1693N, T1704N, T1712N.
Identifiers: ClinVar variation 67602 (VCV000067602.1), dbSNP rs199473643, ClinGen allele CA329740.

ClinVar aggregate classification (germline): not provided (0 of 4 stars; one submission).

Conditions:
Familial long QT syndrome (RWS). Also called: Congenital long QT syndrome; Romano-Ward syndrome; VENTRICULAR FIBRILLATION WITH PROLONGED QT INTERVAL. Identifiers: Orphanet 768, MedGen C1141890, MONDO:0019171.

Allele frequency attached by ClinVar (database versions not stated): gnomAD exomes 0.00001; ExAC 0.00001.
gnomAD v4.1: 1 of 1,614,136 alleles (0.000062%); no homozygotes.

Submission:

Cardiovascular Biomedical Research Unit, Royal Brompton & Harefield NHS Foundation Trust
No classification provided. Condition: Familial long QT syndrome. Review status: no classification provided. Collection method: literature only. Allele origin: germline.
Comment: This variant has been reported as associated with Long QT syndrome in the following publications (PMID:16253912). This is a literature report, and does not necessarily reflect the clinical interpretation of the Imperial College / Royal Brompton Cardiovascular Genetics laboratory.

Literature cited by the submitters: PubMed 16253912; PubMed 22581653.